The following is an entry in ClinVar:

NM_000789.4(ACE):c.45G>C (p.Pro15=)

Gene: ACE (angiotensin I converting enzyme; plus strand). Cytogenetic location: 17q23.3.
Variant type: single nucleotide variant.
Coding change: c.45G>C on transcript NM_000789.4 (MANE Select); coding-DNA position 45, G replaced by C.
Protein change: p.Pro15=; no amino-acid change (proline 15 retained).
Molecular consequence: synonymous variant.
Genome position (GRCh38, 1-based): chr17:63,477,139, G>C. VCF-style: chr17-63477139-G-C. GRCh37 (hg19) VCF-style: chr17-61554500-G-C.
Identifiers: ClinVar variation 324359 (VCV000324359.39), dbSNP rs1110991, ClinGen allele CA8698936.

ClinVar aggregate classification (germline): Conflicting classifications of pathogenicity. Review status: criteria provided, conflicting classifications (1 of 4 stars). 7 submissions from 7 submitters: Uncertain significance (1); Benign (1); Likely benign (2). 3 of the submissions do not count toward it. Last evaluated 2025-11-21.

Conditions:
Renal tubular dysgenesis. Also called: Renotubular dysgenesis. Identifiers: Orphanet 3033, MedGen C0266313, MONDO:0017609, HP:0008660.
ACE-related disorder. Also called: ACE-related disorders; ACE-related condition.

Allele frequency attached by ClinVar (database versions not stated): ExAC 0.00072; gnomAD 0.00082; TOPMed 0.00094.
gnomAD v4.1: 2,171 of 1,431,680 alleles (0.15%); highest among the groups gnomAD compares: Non-Finnish European, 0.18%; 1 homozygote.

Submissions (7):

Labcorp Genetics (formerly Invitae), Labcorp
Classification: Benign. Last evaluated: 2025-11-21. Review status: criteria provided, single submitter. Criteria: Invitae Variant Classification Sherloc (09022015). Collection method: clinical testing. Allele origin: germline.

Blueprint Genetics
Classification: Likely benign. Last evaluated: 2024-10-14. Review status: criteria provided, single submitter. Criteria: ACMG Guidelines, 2015. Collection method: clinical testing. Allele origin: germline.

CeGaT Center for Human Genetics Tuebingen
Classification: Likely benign. Last evaluated: 2022-04-01. Review status: criteria provided, single submitter. Criteria: CeGaT Center For Human Genetics Tuebingen Variant Classification Criteria Version 2. Collection method: clinical testing. Allele origin: germline. Affected: yes. Observed: 1 variant allele.
Comment: ACE: BP4, BP7

Illumina Laboratory Services, Illumina
Classification: Uncertain significance for Renal tubular dysgenesis of genetic origin. Last evaluated: 2018-01-13. Review status: criteria provided, single submitter. Criteria: ICSL Variant Classification Criteria 13 December 2019. Collection method: clinical testing. Allele origin: germline.

PreventionGenetics, part of Exact Sciences
Classification: Likely benign for ACE-related condition. Last evaluated: 2024-03-12. Review status: no assertion criteria provided. Collection method: clinical testing. Allele origin: germline. Not counted in ClinVar's aggregate classification.
Comment: This variant is classified as likely benign based on ACMG/AMP sequence variant interpretation guidelines (Richards et al. 2015 PMID: 25741868, with internal and published modifications).

Clinical Genetics DNA and cytogenetics Diagnostics Lab, Erasmus MC, Erasmus Medical Center
Classification: Likely benign. Review status: no assertion criteria provided. Collection method: clinical testing. Allele origin: germline. Affected: yes. Study: VKGL Data-share Consensus. Not counted in ClinVar's aggregate classification.

Genome Diagnostics Laboratory, University Medical Center Utrecht
Classification: Likely benign. Review status: no assertion criteria provided. Collection method: clinical testing. Allele origin: germline. Affected: yes. Study: VKGL Data-share Consensus. Not counted in ClinVar's aggregate classification.